The following is an entry in ClinVar:

NM_012188.5(FOXI1):c.370C>A (p.Pro124Thr)

Gene: FOXI1 (forkhead box I1; plus strand). Cytogenetic location: 5q35.1.
Variant type: single nucleotide variant.
Coding change: c.370C>A on transcript NM_012188.5 (MANE Select); coding-DNA position 370, C replaced by A.
Protein change: p.Pro124Thr; replaces proline 124 with threonine.
Molecular consequence: missense variant.
Genome position (GRCh38, 1-based): chr5:170,106,327, C>A. VCF-style: chr5-170106327-C-A. GRCh37 (hg19) VCF-style: chr5-169533331-C-A.
Other names: c.370C>A, p.Pro124Thr (NM_144769.4); short protein forms P124T.
Identifiers: ClinVar variation 5019476 (VCV005019476.2).

ClinVar aggregate classification (germline): Uncertain significance (1 of 4 stars; one submission).

Conditions:
Autosomal recessive nonsyndromic hearing loss 4 (DFNB4). Also called: Deafness, autosomal recessive 4; Deafness, autosomal recessive 4, with enlarged vestibular aqueduct; NEUROSENSORY NONSYNDROMIC RECESSIVE DEAFNESS 4; FOXI1-Related Pendred Syndrome; KCNJ10-Related Pendred Syndrome; Enlarged vestibular aqueduct, digenic. Identifiers: Orphanet 90636, MedGen C3538946, MONDO:0010933, OMIM 600791.

Submission:

Juno Genomics, Hangzhou Juno Genomics, Inc
Classification: Uncertain significance for Autosomal recessive nonsyndromic hearing loss 4. Review status: criteria provided, single submitter. Criteria: ACMG Guidelines, 2015. Collection method: clinical testing. Allele origin: germline.
Comment: Absent from controls (or at extremely low frequency if recessive) in Genome Aggregation Database.;Multiple lines of computational evidence support a deleterious effect on the gene or gene product.